The following is an entry in ClinVar:

ClinVar aggregate classification (germline): Uncertain significance (1 of 4 stars; one submission).

Conditions:
Hereditary cancer-predisposing syndrome. Also called: Tumor predisposition; Hereditary neoplastic syndrome; Hereditary Cancer Syndrome; Neoplastic Syndromes, Hereditary. Identifiers: Orphanet 140162, MedGen C0027672, MeSH D009386, MONDO:0015356.

Submission:

Ambry Genetics
Classification: Uncertain significance for Hereditary cancer-predisposing syndrome. Last evaluated: 2025-05-16. Review status: criteria provided, single submitter. Criteria: Ambry Variant Classification Scheme 2023. Collection method: clinical testing. Allele origin: germline.
Comment: The p.C391S variant (also known as c.1171T>A), located in coding exon 9 of the STK11 gene, results from a T to A substitution at nucleotide position 1171. The cysteine at codon 391 is replaced by serine, an amino acid with dissimilar properties. This amino acid position is conserved. In addition, the in silico prediction for this alteration is inconclusive. Based on the available evidence, the clinical significance of this variant remains unclear.

NM_000455.5(STK11):c.1171T>A (p.Cys391Ser)

Gene: STK11 (serine/threonine kinase 11; plus strand). Cytogenetic location: 19p13.3.
Variant type: single nucleotide variant.
Coding change: c.1171T>A on transcript NM_000455.5 (MANE Select); coding-DNA position 1171, T replaced by A.
Protein change: p.Cys391Ser; replaces cysteine 391 with serine.
Molecular consequence: missense variant. On other transcripts: non-coding transcript variant (1).
Genome position (GRCh38, 1-based): chr19:1,226,516, T>A. VCF-style: chr19-1226516-T-A. GRCh37 (hg19) VCF-style: chr19-1226515-T-A.
Other names: short protein forms C391S.
Identifiers: ClinVar variation 3963249 (VCV003963249.1).